The following is an entry in ClinVar:

NM_030962.4(SBF2):c.3111-6T>C

Genes: SBF2 (SET binding factor 2; minus strand), LOC101928008 (uncharacterized LOC101928008; plus strand). Cytogenetic location: 11p15.4.
Variant type: single nucleotide variant.
Coding change: c.3111-6T>C on transcript NM_030962.4 (MANE Select); 6 bases into the intron before coding-DNA position 3111, T replaced by C.
Molecular consequence: intron variant.
Genome position (GRCh38, 1-based): chr11:9,842,776, A>G on the plus strand (T>C on the coding strand, the complement: SBF2 is on the minus strand). VCF-style: chr11-9842776-A-G. GRCh37 (hg19) VCF-style: chr11-9864323-A-G.
Other names: p.?; c.2982-6T>C (NM_001386342.1); c.3111-6T>C (NM_001386339.1).
Identifiers: ClinVar variation 306587 (VCV000306587.26), dbSNP rs16907139, ClinGen allele CA5881363.

ClinVar aggregate classification (germline): Benign. Review status: criteria provided, multiple submitters, no conflicts (2 of 4 stars). 8 submissions from 8 submitters: Benign (8). Last evaluated 2026-02-01.

Conditions:
Charcot-Marie-Tooth disease. Also called: Charcot-Marie-Tooth Neuropathy; Charcot-Marie-Tooth Hereditary Neuropathy. Identifiers: Orphanet 166, MedGen C0007959, MONDO:0015626.
Charcot-Marie-Tooth disease type 4. Also called: Charcot-Marie-Tooth disease, type IV; Charcot-Marie-Tooth, Type 4. Identifiers: Orphanet 64749, MedGen C4082197, MONDO:0018995.
Charcot-Marie-Tooth disease type 4B2. Also called: Charcot-Marie-Tooth Neuropathy Type 4B2; CHARCOT-MARIE-TOOTH DISEASE, WITH FOCALLY FOLDED MYELIN SHEATHS, AUTOSOMAL RECESSIVE, TYPE 4B2; CMT 4B2; CHARCOT-MARIE-TOOTH DISEASE, DEMYELINATING, TYPE 4B2. Identifiers: Orphanet 99956, MedGen C1858278, MONDO:0011475, OMIM 604563.

Allele frequency attached by ClinVar (database versions not stated): gnomAD exomes 0.00394; ExAC 0.00508; gnomAD 0.01570 and 0.01676; TOPMed 0.01813; 1000 Genomes Project 0.01857; ESP Exome Variant Server 0.01871; 1000 Genomes Project 30x 0.02108.
gnomAD v4.1: 4,530 of 1,613,950 alleles (0.28%); highest among the groups gnomAD compares: African/African-American, 5.5%; 129 homozygotes.

Submissions (8):

Labcorp Genetics (formerly Invitae), Labcorp
Classification: Benign for Charcot-Marie-Tooth disease type 4. Last evaluated: 2026-02-01. Review status: criteria provided, single submitter. Criteria: Invitae Variant Classification Sherloc (09022015). Collection method: clinical testing. Allele origin: germline.

Mayo Clinic Laboratories, Mayo Clinic
Classification: Benign. Last evaluated: 2021-12-21. Review status: criteria provided, single submitter. Criteria: ACMG Guidelines, 2015. Collection method: clinical testing. Allele origin: germline. Observed: 14 variant alleles.

ARUP Laboratories, Molecular Genetics and Genomics, ARUP Laboratories
Classification: Benign for Charcot-Marie-Tooth disease type 4B2. Last evaluated: 2021-06-17. Review status: criteria provided, single submitter. Criteria: ARUP Molecular Germline Variant Investigation Process 2021. Collection method: clinical testing. Allele origin: germline.

Athena Diagnostics
Classification: Benign. Last evaluated: 2018-01-30. Review status: criteria provided, single submitter. Criteria: Athena Diagnostics Criteria. Collection method: clinical testing. Allele origin: germline.

Illumina Laboratory Services, Illumina
Classification: Benign for Charcot-Marie-Tooth disease type 4B2. Last evaluated: 2018-01-13. Review status: criteria provided, single submitter. Criteria: ICSL Variant Classification Criteria 13 December 2019. Collection method: clinical testing. Allele origin: germline.
Comment: This variant was observed in the ICSL laboratory as part of a predisposition screen in an ostensibly healthy population. It had not been previously curated by ICSL or reported in the Human Gene Mutation Database (HGMD: prior to June 1st, 2018), and was therefore a candidate for classification through an automated scoring system. Utilizing variant allele frequency, disease prevalence and penetrance estimates, and inheritance mode, an automated score was calculated to assess if this variant is too frequent to cause the disease. Based on the score and internal cut-off values, a variant classified as benign is not then subjected to further curation. The score for this variant resulted in a classification of benign for this disease.

GeneDx
Classification: Benign. Last evaluated: 2016-04-01. Review status: criteria provided, single submitter. Criteria: GeneDx Variant Classification (06012015). Collection method: clinical testing. Allele origin: germline. Affected: yes.
Comment: This variant is considered likely benign or benign based on one or more of the following criteria: it is a conservative change, it occurs at a poorly conserved position in the protein, it is predicted to be benign by multiple in silico algorithms, and/or has population frequency not consistent with disease.

Breakthrough Genomics
Classification: Benign. Review status: criteria provided, single submitter. Criteria: ACMG Guidelines, 2015. Collection method: not provided. Allele origin: germline. Inheritance: Autosomal recessive inheritance. Affected: yes.

Molecular Genetics Laboratory, London Health Sciences Centre
Classification: Benign for Charcot-Marie-Tooth disease. Review status: criteria provided, single submitter. Criteria: ACMG Guidelines, 2015. Collection method: clinical testing. Allele origin: germline. Affected: yes.